The following is an entry in ClinVar:

NM_001024845.3(SLC6A9):c.31-6242G>T

Gene: SLC6A9 (solute carrier family 6 member 9; minus strand). Cytogenetic location: 1p34.1.
Variant type: single nucleotide variant.
Coding change: c.31-6242G>T on transcript NM_001024845.3 (MANE Select); 6242 bases into the intron before coding-DNA position 31, G replaced by T.
Molecular consequence: intron variant. On other transcripts: nonsense (3), missense variant (2), non-coding transcript variant (1).
Genome position (GRCh38, 1-based): chr1:44,017,124, C>A on the plus strand (G>T on the coding strand, the complement: SLC6A9 is on the minus strand). VCF-style: chr1-44017124-C-A. GRCh37 (hg19) VCF-style: chr1-44482796-C-A.
Other names: c.10G>T, p.Gly4Ter (NM_001261380.2, NM_006934.4, NM_201649.4); c.47G>T, p.Arg16Leu (NM_001328627.1, NM_001328628.1); c.-15+7124G>T (NM_001328630.2, NM_001328626.2); c.31-6242G>T (NM_001328629.1); short protein forms G4*, R16L.
Identifiers: ClinVar variation 4536025 (VCV004536025.1).

ClinVar aggregate classification (germline): Pathogenic (1 of 4 stars; one submission).

Conditions:
Atypical glycine encephalopathy. Also called: Glycine encephalopathy with normal serum glycine. Identifiers: Orphanet 289863, MedGen C4310943, MONDO:0015010, OMIM 617301.

gnomAD v4.1: 9 of 1,607,100 alleles (0.00056%); highest among the groups gnomAD compares: African/African-American, 0.012%; no homozygotes.

Submission:

Women's Health and Genetics/Laboratory Corporation of America, LabCorp
Classification: Pathogenic for Atypical glycine encephalopathy. Last evaluated: 2025-09-30. Review status: criteria provided, single submitter. Criteria: LabCorp Variant Classification Summary - May 2015. Collection method: clinical testing. Allele origin: germline.
Comment: Variant summary: SLC6A9 c.10G>T (p.Gly4X) results in a premature termination codon, predicted to cause a absence of the protein due to nonsense mediated decay, which is a commonly known mechanism for disease. The variant allele was found at a frequency of 4.2e-06 in 237330 control chromosomes (gnomAD). To our knowledge, no occurrence of c.10G>T in individuals affected with SLC6A9-related conditions and no experimental evidence demonstrating its impact on protein function have been reported. No submitters have cited clinical-significance assessments for this variant to ClinVar. Based on the evidence outlined above, the variant was classified as pathogenic.